The following is an entry in ClinVar:

NM_004387.4(NKX2-5):c.547A>C (p.Lys183Gln)

Gene: NKX2-5 (NK2 homeobox 5; minus strand). Cytogenetic location: 5q35.1.
Variant type: single nucleotide variant.
Coding change: c.547A>C on transcript NM_004387.4 (MANE Select); coding-DNA position 547, A replaced by C.
Protein change: p.Lys183Gln; replaces lysine 183 with glutamine.
Molecular consequence: missense variant. On other transcripts: 3 prime UTR variant (2).
Genome position (GRCh38, 1-based): chr5:173,232,997, T>G on the plus strand (A>C on the coding strand, the complement: NKX2-5 is on the minus strand). VCF-style: chr5-173232997-T-G. GRCh37 (hg19) VCF-style: chr5-172660000-T-G.
Other names: c.*500A>C (NM_001166175.2); c.*346A>C (NM_001166176.2); short protein forms K183Q.
Identifiers: ClinVar variation 1705341 (VCV001705341.1), dbSNP rs137852686, ClinGen allele CA362161643.

ClinVar aggregate classification (germline): Uncertain significance (1 of 4 stars; one submission).

Conditions:
Ventricular septal defect 3 (VSD3). Identifiers: MedGen C3280785, MONDO:0013749, OMIM 614432.

Submission:

3billion
Classification: Uncertain significance for Ventricular septal defect 3. Last evaluated: 2022-09-01. Review status: criteria provided, single submitter. Criteria: ACMG Guidelines, 2015. Collection method: clinical testing. Allele origin: germline. Affected: yes. Observed: 1 heterozygote.
Comment: The variant is not observed in the gnomAD v2.1.1 dataset. In silico tool predictions suggest damaging effect of the variant on gene or gene product (REVEL: 0.91; 3Cnet: 0.89). A different missense change at the same codon (p.Lys183Glu) has been reported to be associated with NKX2-5-related disorder (ClinVar ID: VCV000009020). However the evidence of pathogenicity is insufficient at this time. Therefore, this variant is classified as uncertain significance according to the recommendation of ACMG/AMP guideline.